The following is an entry in ClinVar:

ClinVar aggregate classification (germline): Uncertain significance. Review status: criteria provided, multiple submitters, no conflicts (2 of 4 stars). 7 submissions from 7 submitters: Uncertain significance (7). Last evaluated 2026-01-07.

Conditions:
Pheochromocytoma/paraganglioma syndrome 4. Also called: SDHB-Related Hereditary Paraganglioma-Pheochromocytoma Syndrome (Paragangliomas 4); SDHB-Related Hereditary Paraganglioma-Pheochromocytoma Syndrome; CAROTID BODY TUMORS AND MULTIPLE EXTRAADRENAL PHEOCHROMOCYTOMAS; PARAGANGLIOMA, FAMILIAL MALIGNANT; PARAGANGLIOMAS, HEREDITARY EXTRAADRENAL; PHEOCHROMOCYTOMA, FAMILIAL EXTRAADRENAL. Identifiers: Orphanet 29072, MedGen C1861848, MONDO:0007273, OMIM 115310.
Pheochromocytoma. Also called: MAX-Related Hereditary Paraganglioma-Pheochromocytoma Syndrome. Identifiers: Orphanet 29072, MedGen C0031511, MONDO:0008233, OMIM 171300, HP:0002666.
Gastrointestinal stromal tumor. Also called: Gastrointestinal stromal tumor, somatic; Gastrointestinal stroma tumor. Identifiers: Orphanet 44890, MedGen C0238198, MeSH D046152, MONDO:0011719, OMIM 606764, HP:0100723.
Hereditary pheochromocytoma and paraganglioma. Also called: Hereditary paragangliomas and pheochromocytomas; Hereditary pheochromocytoma-paraganglioma; Hereditary Paraganglioma-Pheochromocytoma Syndromes. Identifiers: Orphanet 29072, MedGen C4274332, MONDO:0017366.
Hereditary cancer-predisposing syndrome. Also called: Neoplastic Syndromes, Hereditary; Tumor predisposition; Hereditary Cancer Syndrome; Hereditary neoplastic syndrome. Identifiers: Orphanet 140162, MedGen C0027672, MeSH D009386, MONDO:0015356.

Allele frequency attached by ClinVar (database versions not stated): gnomAD 0.00001; TOPMed 0.00001; ExAC 0.00002; gnomAD exomes 0.00002.
gnomAD v4.1: 25 of 1,613,956 alleles (0.0015%); highest among the groups gnomAD compares: Non-Finnish European, 0.0019%; no homozygotes.

Submissions (7):

Labcorp Genetics (formerly Invitae), Labcorp
Classification: Uncertain significance for Gastrointestinal stromal tumor; Pheochromocytoma/paraganglioma syndrome 4; Pheochromocytoma. Last evaluated: 2026-01-07. Review status: criteria provided, single submitter. Criteria: Invitae Variant Classification Sherloc (09022015). Collection method: clinical testing. Allele origin: germline.
Comment: This sequence change replaces glycine, which is neutral and non-polar, with aspartic acid, which is acidic and polar, at codon 108 of the SDHB protein (p.Gly108Asp). This variant is present in population databases (rs767062764, gnomAD 0.003%). This variant has not been reported in the literature in individuals affected with SDHB-related conditions. ClinVar contains an entry for this variant (Variation ID: 656456). Invitae Evidence Modeling of protein sequence and biophysical properties (such as structural, functional, and spatial information, amino acid conservation, physicochemical variation, residue mobility, and thermodynamic stability) indicates that this missense variant is not expected to disrupt SDHB protein function with a negative predictive value of 80%. In summary, the available evidence is currently insufficient to determine the role of this variant in disease. Therefore, it has been classified as a Variant of Uncertain Significance.

Center for Genomic Medicine, Rigshospitalet, Copenhagen University Hospital
Classification: Uncertain significance. Last evaluated: 2025-03-04. Review status: criteria provided, single submitter. Criteria: ACMG Guidelines, 2015. Collection method: clinical testing. Allele origin: germline.

Ambry Genetics
Classification: Uncertain significance for Hereditary cancer-predisposing syndrome. Last evaluated: 2024-05-28. Review status: criteria provided, single submitter. Criteria: Ambry Variant Classification Scheme 2023. Collection method: clinical testing. Allele origin: germline.
Comment: The p.G108D variant (also known as c.323G>A), located in coding exon 4 of the SDHB gene, results from a G to A substitution at nucleotide position 323. The glycine at codon 108 is replaced by aspartic acid, an amino acid with similar properties. This amino acid position is well conserved in available vertebrate species. In addition, the in silico prediction for this alteration is inconclusive. Based on the available evidence, the clinical significance of this variant remains unclear.

All of Us Research Program, National Institutes of Health
Classification: Uncertain significance for Hereditary pheochromocytoma and paraganglioma. Last evaluated: 2024-04-25. Review status: criteria provided, single submitter. Criteria: ACMG Guidelines, 2015. Collection method: clinical testing. Allele origin: germline. Inheritance: Autosomal dominant inheritance. Observed: 6 variant alleles, 6 heterozygotes.
Comment: This missense variant replaces glycine with aspartic acid at codon 108 of the SDHB protein. Computational prediction is inconclusive regarding the impact of this variant on protein structure and function (internally defined REVEL score threshold 0.5 < inconclusive < 0.7, PMID: 27666373). To our knowledge, functional studies have not been reported for this variant. This variant has not been reported in individuals affected with SDHB-related disorders in the literature. This variant has been identified in 5/251458 chromosomes in the general population by the Genome Aggregation Database (gnomAD). The available evidence is insufficient to determine the role of this variant in disease conclusively. Therefore, this variant is classified as a Variant of Uncertain Significance.

This study involves interpretation of variants in research participants for the purpose of population health screening. Participant phenotype was not available at the time of variant classification. Additional details can be found in publication PMID: 35346344, PMCID: PMC8962531

Color Diagnostics, LLC DBA Color Health
Classification: Uncertain significance for Hereditary pheochromocytoma and paraganglioma. Last evaluated: 2024-04-10. Review status: criteria provided, single submitter. Criteria: ACMG Guidelines, 2015. Collection method: clinical testing. Allele origin: germline.
Comment: This missense variant replaces glycine with aspartic acid at codon 108 of the SDHB protein. Computational prediction is inconclusive regarding the impact of this variant on protein structure and function. To our knowledge, functional studies have not been reported for this variant. This variant has not been reported in individuals affected with SDHB-related disorders in the literature. This variant has been identified in 5/251458 chromosomes in the general population by the Genome Aggregation Database (gnomAD). The available evidence is insufficient to determine the role of this variant in disease conclusively. Therefore, this variant is classified as a Variant of Uncertain Significance.

Baylor Genetics
Classification: Uncertain significance for Gastrointestinal stromal tumor. Last evaluated: 2024-02-23. Review status: criteria provided, single submitter. Criteria: ACMG Guidelines, 2015. Collection method: clinical testing. Allele origin: unknown.

GeneDx
Classification: Uncertain significance. Last evaluated: 2023-03-07. Review status: criteria provided, single submitter. Criteria: GeneDx Variant Classification Process June 2021. Collection method: clinical testing. Allele origin: germline. Affected: yes.
Comment: Not observed at significant frequency in large population cohorts (gnomAD); In silico analysis supports that this missense variant does not alter protein structure/function; Has not been previously published as pathogenic or benign to our knowledge

NM_003000.3(SDHB):c.323G>A (p.Gly108Asp)

Gene: SDHB (succinate dehydrogenase complex iron sulfur subunit B; minus strand). Cytogenetic location: 1p36.13.
Variant type: single nucleotide variant.
Coding change: c.323G>A on transcript NM_003000.3 (MANE Select); coding-DNA position 323, G replaced by A.
Protein change: p.Gly108Asp; replaces glycine 108 with aspartic acid.
Molecular consequence: missense variant.
Genome position (GRCh38, 1-based): chr1:17,028,700, C>T on the plus strand (G>A on the coding strand, the complement: SDHB is on the minus strand). VCF-style: chr1-17028700-C-T. GRCh37 (hg19) VCF-style: chr1-17355195-C-T.
Other names: short protein forms G108D.
Identifiers: ClinVar variation 656456 (VCV000656456.28), dbSNP rs767062764, ClinGen allele CA089588.